The following is an entry in ClinVar:

ClinVar aggregate classification (germline): Benign/Likely benign. Review status: criteria provided, multiple submitters, no conflicts (2 of 4 stars). 4 submissions from 4 submitters: Benign (1); Likely benign (3). Last evaluated 2025-12-29.

Conditions:
Pheochromocytoma. Also called: MAX-Related Hereditary Paraganglioma-Pheochromocytoma Syndrome. Identifiers: Orphanet 29072, MedGen C0031511, MONDO:0008233, OMIM 171300, HP:0002666.
Pheochromocytoma/paraganglioma syndrome 4. Also called: CAROTID BODY TUMORS AND MULTIPLE EXTRAADRENAL PHEOCHROMOCYTOMAS; PARAGANGLIOMA, FAMILIAL MALIGNANT; PARAGANGLIOMAS, HEREDITARY EXTRAADRENAL; PHEOCHROMOCYTOMA, FAMILIAL EXTRAADRENAL; Paragangliomas 4; SDHB-Related Hereditary Paraganglioma-Pheochromocytoma Syndrome (Paragangliomas 4). Identifiers: Orphanet 29072, MedGen C1861848, MONDO:0007273, OMIM 115310.
Gastrointestinal stromal tumor. Also called: Gastrointestinal stroma tumor; Gastrointestinal stromal tumor, somatic. Identifiers: Orphanet 44890, MedGen C0238198, MeSH D046152, MONDO:0011719, OMIM 606764, HP:0100723.
Hereditary cancer-predisposing syndrome. Also called: Tumor predisposition; Hereditary Cancer Syndrome; Hereditary neoplastic syndrome; Neoplastic Syndromes, Hereditary. Identifiers: Orphanet 140162, MedGen C0027672, MeSH D009386, MONDO:0015356.

Allele frequency attached by ClinVar (database versions not stated): gnomAD exomes below 0.00001; gnomAD 0.00001.
gnomAD v4.1: 7 of 1,610,120 alleles (0.00043%); highest among the groups gnomAD compares: South Asian, 0.0022%; no homozygotes.

Submissions (4):

Center for Genomic Medicine, Rigshospitalet, Copenhagen University Hospital
Classification: Likely benign. Last evaluated: 2025-12-29. Review status: criteria provided, single submitter. Criteria: ACMG Guidelines, 2015. Collection method: clinical testing. Allele origin: germline.

Labcorp Genetics (formerly Invitae), Labcorp
Classification: Likely benign for Gastrointestinal stromal tumor; Pheochromocytoma/paraganglioma syndrome 4; Pheochromocytoma. Last evaluated: 2025-04-29. Review status: criteria provided, single submitter. Criteria: Invitae Variant Classification Sherloc (09022015). Collection method: clinical testing. Allele origin: germline.

Myriad Genetics, Inc.
Classification: Benign for Pheochromocytoma/paraganglioma syndrome 4. Last evaluated: 2025-03-13. Review status: criteria provided, single submitter. Criteria: Myriad Autosomal Dominant, Autosomal Recessive and X-Linked Classification Criteria (2023). Collection method: clinical testing. Allele origin: unknown.
Comment: This variant is considered benign. This variant is a silent/synonymous amino acid change and it is not expected to impact splicing.

Ambry Genetics
Classification: Likely benign for Hereditary cancer-predisposing syndrome. Last evaluated: 2023-10-10. Review status: criteria provided, single submitter. Criteria: Ambry Variant Classification Scheme 2023. Collection method: clinical testing. Allele origin: germline.

NM_003000.3(SDHB):c.636T>C (p.Leu212=)

Gene: SDHB (succinate dehydrogenase complex iron sulfur subunit B; minus strand). Cytogenetic location: 1p36.13.
Variant type: single nucleotide variant.
Coding change: c.636T>C on transcript NM_003000.3 (MANE Select); coding-DNA position 636, T replaced by C.
Protein change: p.Leu212=; no amino-acid change (leucine 212 retained).
Molecular consequence: synonymous variant.
Genome position (GRCh38, 1-based): chr1:17,023,979, A>G on the plus strand (T>C on the coding strand, the complement: SDHB is on the minus strand). VCF-style: chr1-17023979-A-G. GRCh37 (hg19) VCF-style: chr1-17350474-A-G.
Other names: c.636T>C (NM_003000.2).
Identifiers: ClinVar variation 1137615 (VCV001137615.10), dbSNP rs778439194, ClinGen allele CA18663154.